The following is an entry in ClinVar:

ClinVar aggregate classification (germline): Uncertain significance (1 of 4 stars; one submission).

gnomAD v4.1: 1 of 1,603,864 alleles (0.000062%); highest among the groups gnomAD compares: East Asian, 0.0023%; no homozygotes.

Submission:

GeneDx
Classification: Uncertain significance. Last evaluated: 2024-09-22. Review status: criteria provided, single submitter. Criteria: GeneDx Variant Classification Process June 2021. Collection method: clinical testing. Allele origin: germline. Affected: yes.
Comment: Not observed at significant frequency in large population cohorts (gnomAD); In silico analysis supports that this missense variant has a deleterious effect on protein structure/function; Has not been previously published as pathogenic or benign to our knowledge

NM_005430.4(WNT1):c.745C>G (p.Arg249Gly)

Gene: WNT1 (Wnt family member 1; plus strand). Cytogenetic location: 12q13.12.
Variant type: single nucleotide variant.
Coding change: c.745C>G on transcript NM_005430.4 (MANE Select); coding-DNA position 745, C replaced by G.
Protein change: p.Arg249Gly; replaces arginine 249 with glycine.
Molecular consequence: missense variant.
Genome position (GRCh38, 1-based): chr12:48,981,272, C>G. VCF-style: chr12-48981272-C-G. GRCh37 (hg19) VCF-style: chr12-49375055-C-G.
Other names: short protein forms R249G.
Identifiers: ClinVar variation 3776445 (VCV003776445.1).